The following is an entry in ClinVar:

ClinVar aggregate classification (germline): Benign. Review status: criteria provided, multiple submitters, no conflicts (2 of 4 stars). 2 submissions from 2 submitters: Benign (2). Last evaluated 2018-06-16.

Allele frequency attached by ClinVar (database versions not stated): gnomAD exomes 0.00424 and 0.01191; ExAC 0.01456; gnomAD 0.04553 and 0.04886; 1000 Genomes Project 0.05032; TOPMed 0.05205; ESP Exome Variant Server 0.05405; 1000 Genomes Project 30x 0.05434.

Submissions (2):

GeneDx
Classification: Benign. Last evaluated: 2018-06-16. Review status: criteria provided, single submitter. Criteria: GeneDx Variant Classification (06012015). Collection method: clinical testing. Allele origin: germline. Affected: yes.
Comment: This variant is considered likely benign or benign based on one or more of the following criteria: it is a conservative change, it occurs at a poorly conserved position in the protein, it is predicted to be benign by multiple in silico algorithms, and/or has population frequency not consistent with disease.

Breakthrough Genomics
Classification: Benign. Review status: criteria provided, single submitter. Criteria: ACMG Guidelines, 2015. Collection method: not provided. Allele origin: germline. Inheritance: Autosomal dominant inheritance. Affected: yes.

NM_001070.5(TUBG1):c.400-36A>G

Gene: TUBG1 (tubulin gamma 1; plus strand). Cytogenetic location: 17q21.2.
Variant type: single nucleotide variant.
Coding change: c.400-36A>G on transcript NM_001070.5 (MANE Select); 36 bases into the intron before coding-DNA position 400, A replaced by G.
Molecular consequence: intron variant.
Genome position (GRCh38, 1-based): chr17:42,612,391, A>G. VCF-style: chr17-42612391-A-G. GRCh37 (hg19) VCF-style: chr17-40764409-A-G.
Identifiers: ClinVar variation 674438 (VCV000674438.2), dbSNP rs16967892, ClinGen allele CA8579855.